The following is an entry in ClinVar:

ClinVar aggregate classification (germline): Likely benign (1 of 4 stars; one submission).

Allele frequency attached by ClinVar (database versions not stated): 1000 Genomes Project 30x 0.00141; ESP Exome Variant Server 0.00154; TOPMed 0.00175; 1000 Genomes Project 0.00180; gnomAD exomes 0.00331; ExAC 0.00534; gnomAD 0.00568.
gnomAD v4.1: 5,621 of 1,609,792 alleles (0.35%); highest among the groups gnomAD compares: Non-Finnish European, 0.24%; 77 homozygotes.

Submission:

CeGaT Center for Human Genetics Tuebingen
Classification: Likely benign. Last evaluated: 2023-08-01. Review status: criteria provided, single submitter. Criteria: CeGaT Center For Human Genetics Tuebingen Variant Classification Criteria Version 2. Collection method: clinical testing. Allele origin: germline. Affected: yes. Observed: 2 variant alleles.
Comment: SLC12A7: BS2

NM_006598.3(SLC12A7):c.730G>T (p.Ala244Ser)

Gene: SLC12A7 (solute carrier family 12 member 7; minus strand). Cytogenetic location: 5p15.33.
Variant type: single nucleotide variant.
Coding change: c.730G>T on transcript NM_006598.3 (MANE Select); coding-DNA position 730, G replaced by T.
Protein change: p.Ala244Ser; replaces alanine 244 with serine.
Molecular consequence: missense variant.
Genome position (GRCh38, 1-based): chr5:1,085,419, C>A on the plus strand (G>T on the coding strand, the complement: SLC12A7 is on the minus strand). VCF-style: chr5-1085419-C-A. GRCh37 (hg19) VCF-style: chr5-1085534-C-A.
Other names: short protein forms A244S.
Identifiers: ClinVar variation 2655269 (VCV002655269.24), dbSNP rs143024441, ClinGen allele CA3182162.